The following is an entry in ClinVar:

ClinVar aggregate classification (germline): Pathogenic/Likely pathogenic. Review status: criteria provided, multiple submitters, no conflicts (2 of 4 stars). 12 submissions from 12 submitters: Pathogenic (2); Likely pathogenic (4). 6 of the submissions do not count toward it. Last evaluated 2025-11-25.

Conditions:
THOC6-related disorder. Also called: THOC6-related condition.
THOC6-related developmental delay-microcephaly-facial dysmorphism syndrome. Also called: Microcephaly, mental retardation, and distinctive facies, with cardiac and genitourinary malformations; THOC6 Intellectual Disability Syndrome; Beaulieu-Boycott-Innes syndrome. Identifiers: Orphanet 363444, MedGen C3150939, MONDO:0013362, OMIM 613680.
Intellectual disability. Also called: Intellectual developmental disorder; intellectual disabilities; Intellectual functioning disability. Identifiers: HP:0002122, MedGen C3714756, MeSH D008607, MONDO:0001071.

Allele frequency attached by ClinVar (database versions not stated): gnomAD exomes 0.00010; ExAC 0.00011; gnomAD 0.00013 and 0.00014; TOPMed 0.00013; ESP Exome Variant Server 0.00038.
gnomAD v4.1: 343 of 1,613,836 alleles (0.021%); highest among the groups gnomAD compares: Non-Finnish European, 0.028%; no homozygotes.

Submissions (12):

GeneDx
Classification: Pathogenic. Last evaluated: 2025-11-25. Review status: criteria provided, single submitter. Criteria: GeneDx Variant Classification Process June 2021. Collection method: clinical testing. Allele origin: germline. Affected: yes.
Comment: Published functional studies demonstrate a damaging effect where G190E is detrimental to protein function (PMID: 30476144); In silico analysis supports that this missense variant has a deleterious effect on protein structure/function; This variant is associated with the following publications: (PMID: 30476144, 31421288, 31216405, 34740920, 27102954)

Blueprint Genetics
Classification: Likely pathogenic for THOC6-related disorders. Last evaluated: 2024-06-19. Review status: criteria provided, single submitter. Criteria: ACMG Guidelines, 2015. Collection method: clinical testing. Allele origin: germline. Affected: yes. Observed: 5 variant alleles.

Baylor Genetics
Classification: Pathogenic for THOC6-related developmental delay-microcephaly-facial dysmorphism syndrome. Last evaluated: 2023-12-17. Review status: criteria provided, single submitter. Criteria: ACMG Guidelines, 2015. Collection method: clinical testing. Allele origin: unknown.

PreventionGenetics, part of Exact Sciences
Classification: Likely pathogenic for THOC6-related condition. Last evaluated: 2023-01-17. Review status: criteria provided, single submitter. Criteria: ACMG Guidelines, 2015. Collection method: clinical testing. Allele origin: germline.
Comment: The THOC6 c.569G>A variant is predicted to result in the amino acid substitution p.Gly190Glu. This variant was reported in the compound heterozygous state in at least three unrelated individuals with intellectual disability and/or neurodevelopmental phenotypes (Amos et al. 2017. PubMed ID: 27102954; Mattioli et al. 2019. PubMed ID: 30476144; Liu et al. 2019. PubMed ID: 31216405). Functional studies showed that this variant results in abnormal subcellular localization and impaired protein-protein interaction (Mattioli et al. 2019. PubMed ID: 30476144). This variant is reported in 0.020% of alleles in individuals of European (Non-Finnish) descent in gnomAD. This variant is interpreted as likely pathogenic.

Cambridge Genomics Laboratory, East Genomic Laboratory Hub, NHS Genomic Medicine Service
Classification: Likely pathogenic for Intellectual disability. Last evaluated: 2020-09-22. Review status: criteria provided, single submitter. Criteria: ACGS Best Practice Guidelines for Variant Classification in Rare Disease 2020. Collection method: clinical testing. Allele origin: germline. Affected: yes. Observed: 1 variant allele.

Victorian Clinical Genetics Services, Murdoch Childrens Research Institute
Classification: Likely pathogenic for THOC6-related developmental delay-microcephaly-facial dysmorphism syndrome. Last evaluated: 2019-08-28. Review status: criteria provided, single submitter. Criteria: ACMG Guidelines, 2015. Collection method: clinical testing. Allele origin: germline. Inheritance: Autosomal recessive inheritance.
Comment: A homozygous missense variant was identified, NM_024339.4(THOC6):c.569G>A in exon 8 of 13 of the THOC6 gene. This substitution is predicted to cause a moderate amino acid change from glycine to glutamic acid at position 190 of the protein, NP_077315.2(THOC6):p.(Gly190Glu). The glycine at this position has high conservation (100 vertebrates, UCSC), and is located in the WD4 functional domain. In silico software predicts the missense variant to be disease causing (Polyphen, SIFT, CADD, Mutation Taster). The variant is present in the gnomAD population database at a frequency of 0.0002% (28 heterozygotes, 0 homozygotes). It has been previously reported in patients with Beaulieu-Boycott-Innes syndrome (ClinVar, Amos, J. et al (2017), Mattioli, F. et al (2019)). In addition, functional studies show that this variant causes abnormal nuclear localisation and decreased THOC1/THOC5 interaction (Mattioli, F. et al (2019)). Based on information available at the time of curation, this variant has been classified as LIKELY PATHOGENIC.

OMIM
Classification: Pathogenic for BEAULIEU-BOYCOTT-INNES SYNDROME. Last evaluated: 2020-11-07. Review status: no assertion criteria provided. Collection method: literature only. Allele origin: germline. Not counted in ClinVar's aggregate classification.

Clinical Genetics DNA and cytogenetics Diagnostics Lab, Erasmus MC, Erasmus Medical Center
Classification: Likely pathogenic. Review status: no assertion criteria provided. Collection method: clinical testing. Allele origin: germline. Affected: yes. Study: VKGL Data-share Consensus. Not counted in ClinVar's aggregate classification.

Diagnostic Laboratory, Department of Genetics, University Medical Center Groningen
Classification: Likely pathogenic. Review status: no assertion criteria provided. Collection method: clinical testing. Allele origin: germline. Affected: yes. Study: VKGL Data-share Consensus. Not counted in ClinVar's aggregate classification.

GeneReviews
No classification provided. Condition: THOC6-related developmental delay-microcephaly-facial dysmorphism syndrome. Review status: no classification provided. Collection method: literature only. Allele origin: germline. Not counted in ClinVar's aggregate classification.

Joint Genome Diagnostic Labs from Nijmegen and Maastricht, Radboudumc and MUMC+
Classification: Likely pathogenic. Review status: no assertion criteria provided. Collection method: clinical testing. Allele origin: germline. Affected: yes. Study: VKGL Data-share Consensus. Not counted in ClinVar's aggregate classification.

Equipe Genetique des Anomalies du Developpement, Université de Bourgogne
Classification: Uncertain significance for THOC6-related developmental delay-microcephaly-facial dysmorphism syndrome. Last evaluated: 2014-01-01. Review status: flagged submission. Criteria: ACMG Guidelines, 2007. Collection method: clinical testing. Allele origin: inherited. Affected: yes. Not counted in ClinVar's aggregate classification.
ClinVar note: Reason: Older and outlier claim with insufficient supporting evidence

Literature cited by the submitters: PubMed 27102954 (cited by OMIM and GeneReviews); PubMed 30476144 (cited by OMIM and GeneReviews); PubMed 32790266 (cited by GeneReviews).

NM_024339.5(THOC6):c.569G>A (p.Gly190Glu)

Gene: THOC6 (THO complex subunit 6; plus strand). Cytogenetic location: 16p13.3.
Variant type: single nucleotide variant.
Coding change: c.569G>A on transcript NM_024339.5 (MANE Select); coding-DNA position 569, G replaced by A.
Protein change: p.Gly190Glu; replaces glycine 190 with glutamic acid.
Molecular consequence: missense variant.
Genome position (GRCh38, 1-based): chr16:3,026,764, G>A. VCF-style: chr16-3026764-G-A. GRCh37 (hg19) VCF-style: chr16-3076765-G-A.
Other names: c.569G>A, p.Gly190Glu (NM_001142350.3, NM_001347704.2); c.497G>A, p.Gly166Glu (NM_001347703.2); c.569G>A (NM_024339.4); short protein forms G190E, G166E.
Identifiers: ClinVar variation 561208 (VCV000561208.28), dbSNP rs199795381, ClinGen allele CA7855045.